The following is an entry in ClinVar:

ClinVar aggregate classification (germline): Uncertain significance (1 of 4 stars; one submission).

Allele frequency attached by ClinVar (database versions not stated): gnomAD exomes below 0.00001; TOPMed 0.00001.

Submission:

CeGaT Center for Human Genetics Tuebingen
Classification: Uncertain significance. Last evaluated: 2023-09-01. Review status: criteria provided, single submitter. Criteria: CeGaT Center For Human Genetics Tuebingen Variant Classification Criteria Version 2. Collection method: clinical testing. Allele origin: germline. Affected: yes. Observed: 1 variant allele.
Comment: ODC1: PM2

NM_002539.3(ODC1):c.436C>T (p.His146Tyr)

Gene: ODC1 (ornithine decarboxylase 1; minus strand). Cytogenetic location: 2p25.1.
Variant type: single nucleotide variant.
Coding change: c.436C>T on transcript NM_002539.3 (MANE Select); coding-DNA position 436, C replaced by T.
Protein change: p.His146Tyr; replaces histidine 146 with tyrosine.
Molecular consequence: missense variant.
Genome position (GRCh38, 1-based): chr2:10,444,108, G>A on the plus strand (C>T on the coding strand, the complement: ODC1 is on the minus strand). VCF-style: chr2-10444108-G-A. GRCh37 (hg19) VCF-style: chr2-10584234-G-A.
Other names: c.49C>T, p.His17Tyr (NM_001287188.2); c.436C>T, p.His146Tyr (NM_001287189.2, NM_001287190.2); short protein forms H146Y, H17Y.
Identifiers: ClinVar variation 2650675 (VCV002650675.24), dbSNP rs1474937268, ClinGen allele CA345815445.
Genomic context (GRCh38, chr2:10,444,108, plus strand): 5'-CATATCTTATGCTCCCGATCTTGCCCTCAGATGGGGGAATAACTCACTTTGCTTTGGGAT[G>A]TGCTCTGGCAACTTTCATCAACTCAACTTCACTATCAAAAGTCATCATCTGGACTCCATT-3'
Protein context (NP_002530.1, residues 136-156): EVELMKVARA[His146Tyr]PKAKLVLRIA